The following is an entry in ClinVar:

ClinVar aggregate classification (germline): Uncertain significance (1 of 4 stars; one submission).

gnomAD v4.1: 2 of 1,614,140 alleles (0.00012%); highest among the groups gnomAD compares: South Asian, 0.0011%; no homozygotes.

Submission:

CeGaT Center for Human Genetics Tuebingen
Classification: Uncertain significance. Last evaluated: 2023-06-01. Review status: criteria provided, single submitter. Criteria: CeGaT Center For Human Genetics Tuebingen Variant Classification Criteria Version 2. Collection method: clinical testing. Allele origin: germline. Affected: yes. Observed: 1 variant allele.
Comment: MACF1: PM2, PP2, PP4

NM_001394062.1(MACF1):c.1640C>T (p.Pro547Leu)

Gene: MACF1 (microtubule actin crosslinking factor 1; plus strand). Cytogenetic location: 1p34.3.
Variant type: single nucleotide variant.
Coding change: c.1640C>T on transcript NM_001394062.1 (MANE Select); coding-DNA position 1640, C replaced by T.
Protein change: p.Pro547Leu; replaces proline 547 with leucine.
Molecular consequence: missense variant.
Genome position (GRCh38, 1-based): chr1:39,287,417, C>T. VCF-style: chr1-39287417-C-T. GRCh37 (hg19) VCF-style: chr1-39753089-C-T.
Other names: c.1655C>T, p.Pro552Leu (NM_012090.5); short protein forms P547L, P552L.
Identifiers: ClinVar variation 2570720 (VCV002570720.27), dbSNP rs540803654, ClinGen allele CA339761513.